The following is an entry in ClinVar:

ClinVar aggregate classification (germline): Likely benign (1 of 4 stars; one submission).

Conditions:
Maturity-onset diabetes of the young (MODY). Also called: Maturity onset diabetes mellitus in young. Identifiers: Orphanet 552, MedGen C0342276, MONDO:0018911, HP:0004904.

Submission:

Clinical Genomics, Uppaluri K&H Personalized Medicine Clinic
Classification: Likely benign for Maturity-onset diabetes of the young. Review status: criteria provided, single submitter. Criteria: K & H Uppaluri Personalized Medicine Clinic Variant Classification & Assertion Criteria_Updated V.1. Collection method: research. Allele origin: unknown. Inheritance: Autosomal dominant inheritance.
Comment: Mutations in HNF1A gene can predispose to MODY3. It is associated with both micro and macrovascular complications of diabetes, especially cardiovascular complications. Associated with glucosuria. May respond well to sulfonylureas. However, more evidence is required to confer the association of this particular variant rs768753432with MODY3.

Literature cited by the submitters: PubMed 31517624; PubMed 32395877; PubMed 35328643; PubMed 35673428.

NM_000545.8(HNF1A):c.639C>A (p.Ile213=)

Gene: HNF1A (HNF1 homeobox A; plus strand). Cytogenetic location: 12q24.31.
Variant type: single nucleotide variant.
Coding change: c.639C>A on transcript NM_000545.8 (MANE Select); coding-DNA position 639, C replaced by A.
Protein change: p.Ile213=; no amino-acid change (isoleucine 213 retained).
Molecular consequence: synonymous variant.
Genome position (GRCh38, 1-based): chr12:120,993,632, C>A. VCF-style: chr12-120993632-C-A. GRCh37 (hg19) VCF-style: chr12-121431435-C-A.
Other names: c.639C>A, p.Ile213= (NM_001306179.2, NM_001406915.1).
Identifiers: ClinVar variation 1801497 (VCV001801497.1), dbSNP rs768753432, ClinGen allele CA244532429.